The following is an entry in ClinVar:

ClinVar aggregate classification (germline): Pathogenic/Likely pathogenic. Review status: criteria provided, multiple submitters, no conflicts (2 of 4 stars). 2 submissions from 2 submitters: Pathogenic (1); Likely pathogenic (1). Last evaluated 2021-12-16.

Conditions:
Developmental and epileptic encephalopathy 94 (DEE94). Also called: CHD2-Related Neurodevelopmental Disorders; Epileptic encephalopathy, childhood-onset. Identifiers: Orphanet 1942, Orphanet 2382, MedGen C3809278, MONDO:0014150, OMIM 615369.
CHD2-related disorder. Also called: CHD2-related condition.

Submissions (2):

Blueprint Genetics
Classification: Likely pathogenic for CHD2-related disorders. Last evaluated: 2021-12-16. Review status: criteria provided, single submitter. Criteria: ACMG Guidelines, 2015. Collection method: clinical testing. Allele origin: germline. Affected: yes. Observed: 1 variant allele.

Labcorp Genetics (formerly Invitae), Labcorp
Classification: Pathogenic for Developmental and epileptic encephalopathy 94. Last evaluated: 2021-06-24. Review status: criteria provided, single submitter. Criteria: Invitae Variant Classification Sherloc (09022015). Collection method: clinical testing. Allele origin: germline.
Comment: This sequence change creates a premature translational stop signal (p.Val605Alafs*5) in the CHD2 gene. It is expected to result in an absent or disrupted protein product. Loss-of-function variants in CHD2 are known to be pathogenic (PMID: 23708187, 24207121). This variant is not present in population databases (ExAC no frequency). This variant has not been reported in the literature in individuals with CHD2-related conditions. For these reasons, this variant has been classified as Pathogenic.

Literature cited by the submitters: PubMed 23708187 (cited by Labcorp Genetics (formerly Invitae), Labcorp); PubMed 24207121 (cited by Labcorp Genetics (formerly Invitae), Labcorp).

NM_001271.4(CHD2):c.1814_1815del (p.Val605fs)

Gene: CHD2 (chromodomain helicase DNA binding protein 2; plus strand). Cytogenetic location: 15q26.1.
Variant type: Microsatellite.
Coding change: c.1814_1815del on transcript NM_001271.4 (MANE Select); coding-DNA positions 1814 to 1815, 2 bases deleted (TG; older notation c.1814_1815delTG).
Protein change: p.Val605fs; shifts the reading frame from valine 605.
Molecular consequence: frameshift variant.
Genome position (GRCh38, 1-based): chr15:92,956,463-92,956,464, TG deleted; deleting any 2 consecutive bases within chr15:92,956,461-92,956,464 gives the same sequence; the c. name uses the placement nearest the transcript's 3' end. VCF-style (leftmost placement, unchanged base first): chr15-92956460-CTG-C. GRCh37 (hg19) VCF-style: chr15-93499690-CTG-C.
Other names: short protein forms V605fs.
Identifiers: ClinVar variation 1435597 (VCV001435597.7), dbSNP rs2141816511, ClinGen allele CA2580613336.